The following is an entry in ClinVar:

ClinVar aggregate classification (germline): Uncertain significance (1 of 4 stars; one submission).

Conditions:
Retinitis pigmentosa 45 (RP45). Identifiers: Orphanet 791, MedGen C3151066, MONDO:0013413, OMIM 613767.

Submission:

Laboratorio de Genetica e Diagnostico Molecular, Hospital Israelita Albert Einstein
Classification: Uncertain significance for Retinitis pigmentosa 45. Last evaluated: 2024-06-18. Review status: criteria provided, single submitter. Criteria: ACMG Guidelines, 2015. Collection method: clinical testing. Allele origin: germline. Affected: yes.
Comment: ACMG classification criteria: PM2 supporting, BP4 supporting

NM_001297.5(CNGB1):c.3462+1084C>T

Gene: CNGB1 (cyclic nucleotide gated channel subunit beta 1; minus strand). Cytogenetic location: 16q21.
Variant type: single nucleotide variant.
Coding change: c.3462+1084C>T on transcript NM_001297.5 (MANE Select); 1084 bases into the intron after coding-DNA position 3462, C replaced by T.
Molecular consequence: intron variant.
Genome position (GRCh38, 1-based): chr16:57,886,771, G>A on the plus strand (C>T on the coding strand, the complement: CNGB1 is on the minus strand). VCF-style: chr16-57886771-G-A. GRCh37 (hg19) VCF-style: chr16-57920675-G-A.
Other names: c.3444+1084C>T (NM_001286130.2).
Identifiers: ClinVar variation 3901906 (VCV003901906.1).
Genomic context (GRCh38, chr16:57,886,771, plus strand): 5'-AAAGGACAGCCGTGAACAGACATAATTAATGTAATCATTCCACTTGGTATTCTTGGCTTT[G>A]GTCACAGAAAAAAGTCCCAGAACTAATTTTAATGTCCCCCATAGGTTTATGGGGGTGGGG-3'